The following is an entry in ClinVar:

NM_005215.4(DCC):c.3315del (p.Val1106fs)

Gene: DCC (DCC netrin 1 receptor; plus strand). Cytogenetic location: 18q21.2.
Variant type: Deletion.
Coding change: c.3315del on transcript NM_005215.4 (MANE Select); coding-DNA position 3315, one base deleted (C; older notation c.3315delC).
Protein change: p.Val1106fs; shifts the reading frame from valine 1106.
Molecular consequence: frameshift variant.
Genome position (GRCh38, 1-based): chr18:53,450,585, C deleted; the last of 2 consecutive C bases (chr18:53,450,584-53,450,585); deleting either gives the same sequence. VCF-style (leftmost placement, unchanged base first): chr18-53450583-AC-A. GRCh37 (hg19) VCF-style: chr18-50976953-AC-A.
Other names: short protein forms V1106fs.
Identifiers: ClinVar variation 4995550 (VCV004995550.1).

ClinVar aggregate classification (germline): Likely pathogenic (1 of 4 stars; one submission).

Conditions:
DCC-related disorder. Also called: DCC-related condition.

Submission:

PreventionGenetics, part of Exact Sciences
Classification: Likely pathogenic for DCC-related condition. Last evaluated: 2025-12-11. Review status: criteria provided, single submitter. Criteria: ACMG Guidelines, 2015. Collection method: clinical testing. Allele origin: germline.
Comment: The DCC c.3315delC variant is predicted to result in a frameshift and premature protein termination (p.Val1106Leufs*8). To our knowledge, this variant has not been reported in the literature or in a large population database (gnomAD), indicating this variant is rare. Frameshift variants in DCC are expected to be pathogenic. This variant is interpreted as likely pathogenic.